The following is an entry in ClinVar:

NM_001098.3(ACO2):c.524A>G (p.Gln175Arg)

Gene: ACO2 (aconitase 2; plus strand). Cytogenetic location: 22q13.2.
Variant type: single nucleotide variant.
Coding change: c.524A>G on transcript NM_001098.3 (MANE Select); coding-DNA position 524, A replaced by G.
Protein change: p.Gln175Arg; replaces glutamine 175 with arginine.
Molecular consequence: missense variant.
Genome position (GRCh38, 1-based): chr22:41,511,967, A>G. VCF-style: chr22-41511967-A-G. GRCh37 (hg19) VCF-style: chr22-41907971-A-G.
Other names: short protein forms Q175R.
Identifiers: ClinVar variation 3697478 (VCV003697478.2).

ClinVar aggregate classification (germline): Uncertain significance (1 of 4 stars; one submission).

Submission:

Labcorp Genetics (formerly Invitae), Labcorp
Classification: Uncertain significance. Last evaluated: 2024-08-17. Review status: criteria provided, single submitter. Criteria: Invitae Variant Classification Sherloc (09022015). Collection method: clinical testing. Allele origin: germline.
Comment: This sequence change replaces glutamine, which is neutral and polar, with arginine, which is basic and polar, at codon 175 of the ACO2 protein (p.Gln175Arg). This variant is not present in population databases (gnomAD no frequency). This variant has not been reported in the literature in individuals affected with ACO2-related conditions. An algorithm developed to predict the effect of missense changes on protein structure and function (PolyPhen-2) suggests that this variant is likely to be disruptive. Algorithms developed to predict the effect of sequence changes on RNA splicing suggest that this variant may disrupt the consensus splice site. In summary, the available evidence is currently insufficient to determine the role of this variant in disease. Therefore, it has been classified as a Variant of Uncertain Significance.